The following is an entry in ClinVar:

ClinVar aggregate classification (germline): Uncertain significance. Review status: criteria provided, multiple submitters, no conflicts (2 of 4 stars). 2 submissions from 2 submitters: Uncertain significance (2). Last evaluated 2023-08-23.

Conditions:
Hypotonia, infantile, with psychomotor retardation and characteristic facies 3 (IHPRF3). Also called: TBCK-Related Neurodevelopmental Disorder. Identifiers: Orphanet 488632, MedGen C5567480, MONDO:0014823, OMIM 616900.

Submissions (2):

ARUP Laboratories, Molecular Genetics and Genomics, ARUP Laboratories
Classification: Uncertain significance for Hypotonia, infantile, with psychomotor retardation and characteristic facies 3. Last evaluated: 2023-08-23. Review status: criteria provided, single submitter. Criteria: ARUP Molecular Germline Variant Investigation Process 2024. Collection method: clinical testing. Allele origin: germline.

Labcorp Genetics (formerly Invitae), Labcorp
Classification: Uncertain significance. Last evaluated: 2021-07-14. Review status: criteria provided, single submitter. Criteria: Invitae Variant Classification Sherloc (09022015). Collection method: clinical testing. Allele origin: germline.
Comment: In summary, the available evidence is currently insufficient to determine the role of this variant in disease. Therefore, it has been classified as a Variant of Uncertain Significance. This variant has not been reported in the literature in individuals affected with TBCK-related conditions. This variant is present in population databases (rs755840392, ExAC 0.001%). This sequence change replaces lysine with isoleucine at codon 37 of the TBCK protein (p.Lys37Ile). The lysine residue is moderately conserved and there is a moderate physicochemical difference between lysine and isoleucine. Algorithms developed to predict the effect of missense changes on protein structure and function are either unavailable or do not agree on the potential impact of this missense change (SIFT: "Deleterious"; PolyPhen-2: "Benign"; Align-GVGD: "Class C0").

NM_001163435.3(TBCK):c.110A>T (p.Lys37Ile)

Gene: TBCK (TBC1 domain containing kinase; minus strand). Cytogenetic location: 4q24.
Variant type: single nucleotide variant.
Coding change: c.110A>T on transcript NM_001163435.3 (MANE Select); coding-DNA position 110, A replaced by T.
Protein change: p.Lys37Ile; replaces lysine 37 with isoleucine.
Molecular consequence: missense variant. On other transcripts: 5 prime UTR variant (1).
Genome position (GRCh38, 1-based): chr4:106,308,851, T>A on the plus strand (A>T on the coding strand, the complement: TBCK is on the minus strand). VCF-style: chr4-106308851-T-A. GRCh37 (hg19) VCF-style: chr4-107230008-T-A.
Other names: c.110A>T, p.Lys37Ile (NM_001163436.4, NM_001163437.3, NM_033115.5); c.-508A>T (NM_001290768.2); short protein forms K37I.
Identifiers: ClinVar variation 1463502 (VCV001463502.9), dbSNP rs755840392, ClinGen allele CA3035543.